The following is an entry in ClinVar:

ClinVar aggregate classification (germline): Benign. Review status: criteria provided, multiple submitters, no conflicts (2 of 4 stars). 8 submissions from 8 submitters: Benign (7). 1 of the submissions does not count toward it. Last evaluated 2026-02-04.

Conditions:
Nemaline myopathy 2 (NEM2). Also called: Nemaline myopathy 2, autosomal recessive. Identifiers: MedGen C1850569, MONDO:0009725, OMIM 256030.

Allele frequency attached by ClinVar (database versions not stated): ESP Exome Variant Server 0.00016; gnomAD exomes 0.00145 and 0.00526; gnomAD 0.00171 and 0.00225; TOPMed 0.00309; ExAC 0.00479; 1000 Genomes Project 30x 0.00999; 1000 Genomes Project 0.01118.
gnomAD v4.1: 2,609 of 1,613,806 alleles (0.16%); highest among the groups gnomAD compares: East Asian, 3.2%; 38 homozygotes.

Submissions (8):

Labcorp Genetics (formerly Invitae), Labcorp
Classification: Benign for Nemaline myopathy 2. Last evaluated: 2026-02-04. Review status: criteria provided, single submitter. Criteria: Invitae Variant Classification Sherloc (09022015). Collection method: clinical testing. Allele origin: germline.

Athena Diagnostics
Classification: Benign. Last evaluated: 2025-05-09. Review status: criteria provided, single submitter. Criteria: Athena Diagnostics Criteria. Collection method: clinical testing. Allele origin: unknown.
Comment: The frequency of this variant in the general population is higher than would generally be expected for pathogenic variants in this gene. Computational tools predict this amino acid change may be benign.

Illumina Laboratory Services, Illumina
Classification: Benign for Nemaline myopathy 2. Last evaluated: 2018-01-12. Review status: criteria provided, single submitter. Criteria: ICSL Variant Classification Criteria 13 December 2019. Collection method: clinical testing. Allele origin: germline.
Comment: This variant was observed in the ICSL laboratory as part of a predisposition screen in an ostensibly healthy population. It had not been previously curated by ICSL or reported in the Human Gene Mutation Database (HGMD: prior to June 1st, 2018), and was therefore a candidate for classification through an automated scoring system. Utilizing variant allele frequency, disease prevalence and penetrance estimates, and inheritance mode, an automated score was calculated to assess if this variant is too frequent to cause the disease. Based on the score and internal cut-off values, a variant classified as benign is not then subjected to further curation. The score for this variant resulted in a classification of benign for this disease.

Women's Health and Genetics/Laboratory Corporation of America, LabCorp
Classification: Benign. Last evaluated: 2017-04-24. Review status: criteria provided, single submitter. Criteria: LabCorp Variant Classification Summary - May 2015. Collection method: clinical testing. Allele origin: germline.
Comment: Variant summary: The NEB c.23704A>C (p.Lys7902Gln) variant involves the alteration of a non-conserved nucleotide and is predicted to be benign by 4/4 in silico tools. This variant was found in 578/120716 control chromosomes (13 homozygotes), predominantly observed in the East Asian subpopulation at a frequency of 0.045908 (396/8626). This frequency is about 13 times the estimated maximal expected allele frequency of a pathogenic NEB variant (0.0035355), suggesting this is likely a benign polymorphism found primarily in the populations of East Asian origin. In addition, multiple clinical diagnostic laboratories/reputable databases classified this variant as benign/likely benign. The variant of interest has not, to our knowledge, been reported in affected individuals via publications and/or reputable databases/clinical diagnostic laboratories, nor evaluated for functional impact by in vivo/vitro studies. Taken together, this variant is classified as benign.

GeneDx
Classification: Benign. Last evaluated: 2016-07-08. Review status: criteria provided, single submitter. Criteria: GeneDx Variant Classification (06012015). Collection method: clinical testing. Allele origin: germline. Affected: yes.
Comment: This variant is considered likely benign or benign based on one or more of the following criteria: it is a conservative change, it occurs at a poorly conserved position in the protein, it is predicted to be benign by multiple in silico algorithms, and/or has population frequency not consistent with disease.

Eurofins Ntd Llc (ga)
Classification: Benign. Last evaluated: 2015-02-13. Review status: criteria provided, single submitter. Criteria: EGL Classification Definitions 2015. Collection method: clinical testing. Allele origin: germline. Observed: 2 variant alleles, 2 heterozygotes.

PreventionGenetics, part of Exact Sciences
Classification: Benign. Review status: criteria provided, single submitter. Criteria: ACMG Guidelines, 2015. Collection method: clinical testing. Allele origin: germline.

Natera, Inc.
Classification: Benign for Nemaline myopathy type 2. Last evaluated: 2020-09-16. Review status: no assertion criteria provided. Collection method: clinical testing. Allele origin: germline. Not counted in ClinVar's aggregate classification.

NM_001164508.2(NEB):c.23599A>C (p.Lys7867Gln)

Genes: RIF1 (replication timing regulatory factor 1; plus strand), NEB (nebulin; minus strand). Cytogenetic location: 2q23.3.
Variant type: single nucleotide variant.
Coding change: c.23599A>C on transcript NM_001164508.2 (MANE Select); coding-DNA position 23599, A replaced by C.
Protein change: p.Lys7867Gln; replaces lysine 7867 with glutamine.
Molecular consequence: missense variant.
Genome position (GRCh38, 1-based): chr2:151,506,216, T>G on the plus strand (A>C on the coding strand, the complement: NEB is on the minus strand). VCF-style: chr2-151506216-T-G. GRCh37 (hg19) VCF-style: chr2-152362730-T-G.
Other names: c.23599A>C, p.Lys7867Gln (NM_001164507.2); c.23704A>C, p.Lys7902Gln (NM_001271208.2); c.18496A>C, p.Lys6166Gln (NM_004543.5); short protein forms K7902Q, K6166Q, K7867Q.
Identifiers: ClinVar variation 194308 (VCV000194308.24), dbSNP rs118191309, ClinGen allele CA201110.